The following is an entry in ClinVar:

ClinVar aggregate classification (germline): Uncertain significance. Review status: criteria provided, multiple submitters, no conflicts (2 of 4 stars). 2 submissions from 2 submitters: Uncertain significance (2). Last evaluated 2025-11-10.

Conditions:
Hereditary cancer-predisposing syndrome. Also called: Neoplastic Syndromes, Hereditary; Hereditary Cancer Syndrome; Tumor predisposition; Hereditary neoplastic syndrome. Identifiers: Orphanet 140162, MedGen C0027672, MeSH D009386, MONDO:0015356.

Submissions (2):

Labcorp Genetics (formerly Invitae), Labcorp
Classification: Uncertain significance. Last evaluated: 2025-11-10. Review status: criteria provided, single submitter. Criteria: Invitae Variant Classification Sherloc (09022015). Collection method: clinical testing. Allele origin: germline.
Comment: This sequence change replaces serine, which is neutral and polar, with asparagine, which is neutral and polar, at codon 314 of the SMARCB1 protein (p.Ser314Asn). This variant is not present in population databases (gnomAD no frequency). This variant has not been reported in the literature in individuals affected with SMARCB1-related conditions. ClinVar contains an entry for this variant (Variation ID: 2447182). Invitae Evidence Modeling of protein sequence and biophysical properties (such as structural, functional, and spatial information, amino acid conservation, physicochemical variation, residue mobility, and thermodynamic stability) indicates that this missense variant is expected to disrupt SMARCB1 protein function with a positive predictive value of 80%. In summary, the available evidence is currently insufficient to determine the role of this variant in disease. Therefore, it has been classified as a Variant of Uncertain Significance.

Ambry Genetics
Classification: Uncertain significance for Hereditary cancer-predisposing syndrome. Last evaluated: 2024-07-10. Review status: criteria provided, single submitter. Criteria: Ambry Variant Classification Scheme 2023. Collection method: clinical testing. Allele origin: germline.
Comment: The p.S314N variant (also known as c.941G>A), located in coding exon 7 of the SMARCB1 gene, results from a G to A substitution at nucleotide position 941. The serine at codon 314 is replaced by asparagine, an amino acid with highly similar properties. This amino acid position is highly conserved in available vertebrate species. In addition, the in silico prediction for this alteration is inconclusive. Missense and in-frame variants in SMARCB1 are known to cause neurodevelopmental disorders; however, such associations with rhabdoid tumor predisposition syndrome are exceedingly rare (Kosho T et al. Am J Med Genet C Semin Med Genet. 2014 Sep;166C(3):262-75; Eaton KW et al. Pediatr Blood Cancer. 2011 Jan;56(1):7-15). Based on the supporting evidence, the association of this alteration with Coffin-Siris syndrome is unknown; however, the association of this alteration with SMARCB1-related tumor predisposition syndrome is unlikely.

NM_003073.5(SMARCB1):c.941G>A (p.Ser314Asn)

Gene: SMARCB1 (SWI/SNF related BAF chromatin remodeling complex subunit B1; plus strand). Cytogenetic location: 22q11.23.
Variant type: single nucleotide variant.
Coding change: c.941G>A on transcript NM_003073.5 (MANE Select); coding-DNA position 941, G replaced by A.
Protein change: p.Ser314Asn; replaces serine 314 with asparagine.
Molecular consequence: missense variant.
Genome position (GRCh38, 1-based): chr22:23,825,370, G>A. VCF-style: chr22-23825370-G-A. GRCh37 (hg19) VCF-style: chr22-24167557-G-A.
Other names: c.914G>A, p.Ser305Asn (NM_001007468.3); c.968G>A, p.Ser323Asn (NM_001317946.2); c.995G>A, p.Ser332Asn (NM_001362877.2); short protein forms S305N, S314N, S323N, S332N.
Identifiers: ClinVar variation 2447182 (VCV002447182.4), dbSNP rs2146027088, ClinGen allele CA410907728.
Genomic context (GRCh38, chr22:23,825,370, plus strand): 5'-CCCTGAAGCTGTGCTCGGAGCTGGGGTTGGGCGGGGAGTTTGTCACCACCATCGCATACA[G>A]CATCCGGGGACAGCTGAGCTGGCATCAGAAGACCTACGCCTTCAGGTAGGATCATGCATG-3'
Protein context (NP_003064.2, residues 304-324): GGEFVTTIAY[Ser314Asn]IRGQLSWHQK